The following is an entry in ClinVar:

ClinVar aggregate classification (germline): Uncertain significance (1 of 4 stars; one submission).

Submission:

Labcorp Genetics (formerly Invitae), Labcorp
Classification: Uncertain significance. Last evaluated: 2022-10-13. Review status: criteria provided, single submitter. Criteria: Invitae Variant Classification Sherloc (09022015). Collection method: clinical testing. Allele origin: germline.
Comment: This sequence change replaces proline, which is neutral and non-polar, with leucine, which is neutral and non-polar, at codon 1615 of the COL11A1 protein (p.Pro1615Leu). This variant is not present in population databases (gnomAD no frequency). This variant has not been reported in the literature in individuals affected with COL11A1-related conditions. Advanced modeling of protein sequence and biophysical properties (such as structural, functional, and spatial information, amino acid conservation, physicochemical variation, residue mobility, and thermodynamic stability) has been performed at Invitae for this missense variant, however the output from this modeling did not meet the statistical confidence thresholds required to predict the impact of this variant on COL11A1 protein function. In summary, the available evidence is currently insufficient to determine the role of this variant in disease. Therefore, it has been classified as a Variant of Uncertain Significance.

NM_001854.4(COL11A1):c.4844C>T (p.Pro1615Leu)

Gene: COL11A1 (collagen type XI alpha 1 chain; minus strand). Cytogenetic location: 1p21.1.
Variant type: single nucleotide variant.
Coding change: c.4844C>T on transcript NM_001854.4 (MANE Select); coding-DNA position 4844, C replaced by T.
Protein change: p.Pro1615Leu; replaces proline 1615 with leucine.
Molecular consequence: missense variant. On other transcripts: non-coding transcript variant (1).
Genome position (GRCh38, 1-based): chr1:102,886,821, G>A on the plus strand (C>T on the coding strand, the complement: COL11A1 is on the minus strand). VCF-style: chr1-102886821-G-A. GRCh37 (hg19) VCF-style: chr1-103352377-G-A.
Other names: c.4496C>T, p.Pro1499Leu (NM_001168249.1, NM_080630.4); c.4727C>T, p.Pro1576Leu (NM_001190709.2); c.4880C>T, p.Pro1627Leu (NM_080629.3); short protein forms P1499L, P1576L, P1615L, P1627L.
Identifiers: ClinVar variation 1713607 (VCV001713607.5), dbSNP rs2524225895, ClinGen allele CA341211730.